The following is an entry in ClinVar:

NM_015404.4(WHRN):c.1766C>T (p.Ala589Val)

Gene: WHRN (whirlin; minus strand). Cytogenetic location: 9q32.
Variant type: single nucleotide variant.
Coding change: c.1766C>T on transcript NM_015404.4 (MANE Select); coding-DNA position 1766, C replaced by T.
Protein change: p.Ala589Val; replaces alanine 589 with valine.
Molecular consequence: missense variant.
Genome position (GRCh38, 1-based): chr9:114,406,825, G>A on the plus strand (C>T on the coding strand, the complement: WHRN is on the minus strand). VCF-style: chr9-114406825-G-A. GRCh37 (hg19) VCF-style: chr9-117169105-G-A.
Other names: c.617C>T, p.Ala206Val (NM_001083885.3); c.1766C>T, p.Ala589Val (NM_001173425.2); c.713C>T, p.Ala238Val (NM_001346890.1); c.1766C>T (NM_015404.2); short protein forms A238V, A589V, A206V.
Identifiers: ClinVar variation 953120 (VCV000953120.10), dbSNP rs1835071299, ClinGen allele CA374620959.

ClinVar aggregate classification (germline): Uncertain significance. Review status: criteria provided, multiple submitters, no conflicts (2 of 4 stars). 2 submissions from 2 submitters: Uncertain significance (2). Last evaluated 2024-04-25.

Allele frequency attached by ClinVar (database versions not stated): gnomAD exomes below 0.00001.
gnomAD v4.1: 1 of 1,609,504 alleles (0.000062%); highest among the groups gnomAD compares: Non-Finnish European, 0.000085%; no homozygotes.

Submissions (2):

GeneDx
Classification: Uncertain significance. Last evaluated: 2024-04-25. Review status: criteria provided, single submitter. Criteria: GeneDx Variant Classification Process June 2021. Collection method: clinical testing. Allele origin: germline. Affected: yes.
Comment: Not observed at significant frequency in large population cohorts (gnomAD); In silico analysis indicates that this missense variant does not alter protein structure/function; Has not been previously published as pathogenic or benign to our knowledge

Labcorp Genetics (formerly Invitae), Labcorp
Classification: Uncertain significance. Last evaluated: 2019-08-06. Review status: criteria provided, single submitter. Criteria: Invitae Variant Classification Sherloc (09022015). Collection method: clinical testing. Allele origin: germline.
Comment: This sequence change replaces alanine with valine at codon 589 of the WHRN protein (p.Ala589Val). The alanine residue is moderately conserved and there is a small physicochemical difference between alanine and valine. This variant is not present in population databases (ExAC no frequency). In summary, the available evidence is currently insufficient to determine the role of this variant in disease. Therefore, it has been classified as a Variant of Uncertain Significance. Algorithms developed to predict the effect of missense changes on protein structure and function output the following: SIFT: "Tolerated"; PolyPhen-2: "Benign"; Align-GVGD: "Class C0". The valine amino acid residue is found in multiple mammalian species, suggesting that this missense change does not adversely affect protein function. These predictions have not been confirmed by published functional studies and their clinical significance is uncertain. This variant has not been reported in the literature in individuals with WHRN-related conditions.